The following is an entry in ClinVar:

ClinVar aggregate classification (germline): Conflicting classifications of pathogenicity. Review status: criteria provided, conflicting classifications (1 of 4 stars). 3 submissions from 3 submitters: Uncertain significance (1); Likely benign (1). 1 of the submissions does not count toward it. Last evaluated 2025-04-07.

Conditions:
Inborn genetic diseases. Identifiers: MedGen C0950123, MeSH D030342.
Rubinstein-Taybi syndrome due to EP300 haploinsufficiency. Also called: RUBINSTEIN-TAYBI SYNDROME 2; EP300-Related Rubinstein-Taybi Syndrome. Identifiers: Orphanet 353284, Orphanet 783, MedGen C3150941, MONDO:0013364, OMIM 613684.

Allele frequency attached by ClinVar (database versions not stated): gnomAD exomes below 0.00001 and 0.00001; gnomAD 0.00001; TOPMed 0.00002.
gnomAD v4.1: 14 of 1,613,938 alleles (0.00087%); highest among the groups gnomAD compares: Non-Finnish European, 0.0012%; no homozygotes.

Submissions (3):

Ambry Genetics
Classification: Likely benign for Inborn genetic diseases. Last evaluated: 2025-04-07. Review status: criteria provided, single submitter. Criteria: Ambry Variant Classification Scheme 2023. Collection method: clinical testing. Allele origin: germline.

Labcorp Genetics (formerly Invitae), Labcorp
Classification: Uncertain significance for Rubinstein-Taybi syndrome due to EP300 haploinsufficiency. Last evaluated: 2022-05-16. Review status: criteria provided, single submitter. Criteria: Invitae Variant Classification Sherloc (09022015). Collection method: clinical testing. Allele origin: germline.
Comment: ClinVar contains an entry for this variant (Variation ID: 134044). In summary, the available evidence is currently insufficient to determine the role of this variant in disease. Therefore, it has been classified as a Variant of Uncertain Significance. Advanced modeling of protein sequence and biophysical properties (such as structural, functional, and spatial information, amino acid conservation, physicochemical variation, residue mobility, and thermodynamic stability) performed at Invitae indicates that this missense variant is expected to disrupt EP300 protein function. This variant has not been reported in the literature in individuals affected with EP300-related conditions. This variant is present in population databases (rs587778255, gnomAD 0.002%). This sequence change replaces phenylalanine, which is neutral and non-polar, with leucine, which is neutral and non-polar, at codon 1205 of the EP300 protein (p.Phe1205Leu).

ITMI
No classification provided. Condition: AllHighlyPenetrant. Last evaluated: 2013-09-19. Review status: no classification provided. Collection method: reference population. Allele origin: germline. Not counted in ClinVar's aggregate classification.
Comment: Please see associated publication for description of ethnicities

Literature cited by the submitters: PubMed 24728327 (cited by ITMI).

NM_001429.4(EP300):c.3615C>G (p.Phe1205Leu)

Gene: EP300 (EP300 lysine acetyltransferase; plus strand). Cytogenetic location: 22q13.2.
Variant type: single nucleotide variant.
Coding change: c.3615C>G on transcript NM_001429.4 (MANE Select); coding-DNA position 3615, C replaced by G.
Protein change: p.Phe1205Leu; replaces phenylalanine 1205 with leucine.
Molecular consequence: missense variant.
Genome position (GRCh38, 1-based): chr22:41,160,666, C>G. VCF-style: chr22-41160666-C-G. GRCh37 (hg19) VCF-style: chr22-41556670-C-G.
Other names: c.3537C>G, p.Phe1179Leu (NM_001362843.2); c.3615C>G (NM_001429.3); short protein forms F1205L, F1179L.
Identifiers: ClinVar variation 134044 (VCV000134044.6), dbSNP rs587778255, ClinGen allele CA158498.